The following is an entry in ClinVar:

NM_001184785.2(PARD3):c.715-4C>T

Gene: PARD3 (par-3 family cell polarity regulator; minus strand). Cytogenetic location: 10p11.21.
Variant type: single nucleotide variant.
Coding change: c.715-4C>T on transcript NM_001184785.2 (MANE Select); 4 bases into the intron before coding-DNA position 715, C replaced by T.
Molecular consequence: intron variant.
Genome position (GRCh38, 1-based): chr10:34,401,921, G>A on the plus strand (C>T on the coding strand, the complement: PARD3 is on the minus strand). VCF-style: chr10-34401921-G-A. GRCh37 (hg19) VCF-style: chr10-34690849-G-A.
Other names: c.583-4C>T (NM_001184790.2, NM_001184791.2); c.715-4C>T (NM_001184789.2, NM_001184788.2, NM_001184786.2 and 5 more transcripts).
Identifiers: ClinVar variation 3043050 (VCV003043050.2), dbSNP rs981867908, ClinGen allele CA205490206.

ClinVar aggregate classification (germline): Likely benign (0 of 4 stars; one submission).

Conditions:
PARD3-related disorder. Also called: PARD3-related condition.

Allele frequency attached by ClinVar (database versions not stated): gnomAD 0.00001; gnomAD exomes 0.00001; TOPMed 0.00002.
gnomAD v4.1: 10 of 1,610,656 alleles (0.00062%); highest among the groups gnomAD compares: Non-Finnish European, 0.00085%; no homozygotes.

Submission:

PreventionGenetics, part of Exact Sciences
Classification: Likely benign for PARD3-related condition. Last evaluated: 2019-07-01. Review status: no assertion criteria provided. Collection method: clinical testing. Allele origin: germline.
Comment: This variant is classified as likely benign based on ACMG/AMP sequence variant interpretation guidelines (Richards et al. 2015 PMID: 25741868, with internal and published modifications).